The following is an entry in ClinVar:

ClinVar aggregate classification (germline): Uncertain significance. Review status: criteria provided, multiple submitters, no conflicts (2 of 4 stars). 3 submissions from 3 submitters: Uncertain significance (3). Last evaluated 2025-12-17.

Conditions:
Cardiomyopathy (CMYO). Also called: Cardiomyopathies. Identifiers: Orphanet 167848, MedGen C0878544, MONDO:0004994, HP:0001638. Inheritance: Various modes of inheritance.
Arrhythmogenic right ventricular cardiomyopathy (ARVD). Also called: Cardiomyopathy, ARVC; Arrhythmogenic right ventricular dysplasia; Arrhythmogenic cardiomyopathy; Arrhythmogenic Right Ventricular Cardiomyopathy (ARVC). Identifiers: Orphanet 247, MedGen C0349788, MeSH D019571, MONDO:0016587. Disease mechanism: loss of function. Inheritance: Various modes of inheritance.
Arrhythmogenic right ventricular dysplasia 9 (ARVD9). Also called: Arrhythmogenic Right Ventricular Dysplasia/Cardiomyopathy 9; ARRHYTHMOGENIC RIGHT VENTRICULAR DYSPLASIA, FAMILIAL, 9. Identifiers: MedGen C1836906, MONDO:0012180, OMIM 609040.

Allele frequency attached by ClinVar (database versions not stated): gnomAD exomes below 0.00001 and 0.00001; gnomAD 0.00001; ExAC 0.00003; 1000 Genomes Project 30x 0.00031; 1000 Genomes Project 0.00040.
gnomAD v4.1: 3 of 1,611,970 alleles (0.00019%); highest among the groups gnomAD compares: South Asian, 0.0033%; no homozygotes.

Submissions (3):

Labcorp Genetics (formerly Invitae), Labcorp
Classification: Uncertain significance for Arrhythmogenic right ventricular dysplasia 9. Last evaluated: 2025-12-17. Review status: criteria provided, single submitter. Criteria: Invitae Variant Classification Sherloc (09022015). Collection method: clinical testing. Allele origin: germline.
Comment: This sequence change replaces serine, which is neutral and polar, with proline, which is neutral and non-polar, at codon 342 of the PKP2 protein (p.Ser342Pro). This variant is present in population databases (rs563797120, gnomAD 0.01%). This variant has not been reported in the literature in individuals affected with PKP2-related conditions. ClinVar contains an entry for this variant (Variation ID: 1006624). An algorithm developed to predict the effect of missense changes on protein structure and function outputs the following: PolyPhen-2: "Benign". The proline amino acid residue is found in multiple mammalian species, which suggests that this missense change does not adversely affect protein function. In summary, the available evidence is currently insufficient to determine the role of this variant in disease. Therefore, it has been classified as a Variant of Uncertain Significance.

All of Us Research Program, National Institutes of Health
Classification: Uncertain significance for Arrhythmogenic right ventricular cardiomyopathy. Last evaluated: 2024-06-11. Review status: criteria provided, single submitter. Criteria: ACMG Guidelines, 2015. Collection method: clinical testing. Allele origin: germline. Inheritance: Autosomal dominant inheritance. Observed: 3 variant alleles, 3 heterozygotes.
Comment: This missense variant replaces serine with proline at codon 342 of the PKP2 protein. Computational prediction suggests that this variant may not impact protein structure and function (internally defined REVEL score threshold <= 0.5, PMID: 27666373). To our knowledge, functional studies have not been reported for this variant. This variant has not been reported in individuals affected with cardiovascular disorders in the literature. This variant has been identified in 3/248698 chromosomes in the general population by the Genome Aggregation Database (gnomAD). The available evidence is insufficient to determine the role of this variant in disease conclusively. Therefore, this variant is classified as a Variant of Uncertain Significance.

This study involves interpretation of variants in research participants for the purpose of population health screening. Participant phenotype was not available at the time of variant classification. Additional details can be found in publication PMID: 35346344, PMCID: PMC8962531

Color Diagnostics, LLC DBA Color Health
Classification: Uncertain significance for Cardiomyopathy. Last evaluated: 2023-11-10. Review status: criteria provided, single submitter. Criteria: ACMG Guidelines, 2015. Collection method: clinical testing. Allele origin: germline.
Comment: This missense variant replaces serine with proline at codon 342 of the PKP2 protein. Computational prediction suggests that this variant may not impact protein structure and function (internally defined REVEL score threshold <= 0.5, PMID: 27666373). To our knowledge, functional studies have not been reported for this variant. This variant has not been reported in individuals affected with PKP2-related disorders in the literature. This variant has been identified in 3/248698 chromosomes in the general population by the Genome Aggregation Database (gnomAD). The available evidence is insufficient to determine the role of this variant in disease conclusively. Therefore, this variant is classified as a Variant of Uncertain Significance.

NM_001005242.3(PKP2):c.1024T>C (p.Ser342Pro)

Gene: PKP2 (plakophilin 2; minus strand). Cytogenetic location: 12p11.21.
Variant type: single nucleotide variant.
Coding change: c.1024T>C on transcript NM_001005242.3 (MANE Select); coding-DNA position 1024, T replaced by C.
Protein change: p.Ser342Pro; replaces serine 342 with proline.
Molecular consequence: missense variant.
Genome position (GRCh38, 1-based): chr12:32,877,856, A>G on the plus strand (T>C on the coding strand, the complement: PKP2 is on the minus strand). VCF-style: chr12-32877856-A-G. GRCh37 (hg19) VCF-style: chr12-33030790-A-G.
Other names: c.1024T>C, p.Ser342Pro (NM_004572.4); short protein forms S342P.
Identifiers: ClinVar variation 1006624 (VCV001006624.15), dbSNP rs563797120, ClinGen allele CA026711.